The following is an entry in ClinVar:

ClinVar aggregate classification (germline): Uncertain significance. Review status: criteria provided, multiple submitters, no conflicts (2 of 4 stars). 3 submissions from 3 submitters: Uncertain significance (3). Last evaluated 2025-07-25.

Conditions:
Hereditary cancer-predisposing syndrome. Also called: Hereditary Cancer Syndrome; Neoplastic Syndromes, Hereditary; Tumor predisposition; Hereditary neoplastic syndrome. Identifiers: Orphanet 140162, MedGen C0027672, MeSH D009386, MONDO:0015356.
Familial cancer of breast. Also called: Hereditary breast cancer; BREAST CANCER, FAMILIAL; hereditary breast carcinoma. Identifiers: Orphanet 227535, MedGen C0346153, MONDO:0016419, OMIM 114480. Disease mechanism: loss of function.

Allele frequency attached by ClinVar (database versions not stated): gnomAD exomes below 0.00001.

Submissions (3):

Labcorp Genetics (formerly Invitae), Labcorp
Classification: Uncertain significance for Familial cancer of breast. Last evaluated: 2025-07-25. Review status: criteria provided, single submitter. Criteria: Invitae Variant Classification Sherloc (09022015). Collection method: clinical testing. Allele origin: germline.
Comment: This sequence change replaces serine, which is neutral and polar, with asparagine, which is neutral and polar, at codon 263 of the BARD1 protein (p.Ser263Asn). This variant is not present in population databases (gnomAD no frequency). This variant has not been reported in the literature in individuals affected with BARD1-related conditions. ClinVar contains an entry for this variant (Variation ID: 489677). An algorithm developed to predict the effect of missense changes on protein structure and function (PolyPhen-2) suggests that this variant is likely to be disruptive. In summary, the available evidence is currently insufficient to determine the role of this variant in disease. Therefore, it has been classified as a Variant of Uncertain Significance.

Color Diagnostics, LLC DBA Color Health
Classification: Uncertain significance for Hereditary cancer-predisposing syndrome. Last evaluated: 2023-12-05. Review status: criteria provided, single submitter. Criteria: ACMG Guidelines, 2015. Collection method: clinical testing. Allele origin: germline.
Comment: This missense variant replaces serine with asparagine at codon 263 of the BARD1 protein. Computational prediction suggests that this variant may not impact protein structure and function (internally defined REVEL score threshold <= 0.5, PMID: 27666373). To our knowledge, functional studies have not been reported for this variant. This variant has not been reported in individuals affected with BARD1-related disorders in the literature. This variant has not been identified in the general population by the Genome Aggregation Database (gnomAD). The available evidence is insufficient to determine the role of this variant in disease conclusively. Therefore, this variant is classified as a Variant of Uncertain Significance.

Ambry Genetics
Classification: Uncertain significance for Hereditary cancer-predisposing syndrome. Last evaluated: 2020-08-31. Review status: criteria provided, single submitter. Criteria: Ambry Variant Classification Scheme 2023. Collection method: clinical testing. Allele origin: germline.
Comment: The p.S263N variant (also known as c.788G>A), located in coding exon 4 of the BARD1 gene, results from a G to A substitution at nucleotide position 788. The serine at codon 263 is replaced by asparagine, an amino acid with highly similar properties. This amino acid position is well conserved in available vertebrate species. In addition, this alteration is predicted to be tolerated by in silico analysis. Since supporting evidence is limited at this time, the clinical significance of this alteration remains unclear.

NM_000465.4(BARD1):c.788G>A (p.Ser263Asn)

Gene: BARD1 (BRCA1 associated RING domain 1; minus strand). Cytogenetic location: 2q35.
Variant type: single nucleotide variant.
Coding change: c.788G>A on transcript NM_000465.4 (MANE Select); coding-DNA position 788, G replaced by A.
Protein change: p.Ser263Asn; replaces serine 263 with asparagine.
Molecular consequence: missense variant. On other transcripts: non-coding transcript variant (2), intron variant (3).
Genome position (GRCh38, 1-based): chr2:214,781,086, C>T on the plus strand (G>A on the coding strand, the complement: BARD1 is on the minus strand). VCF-style: chr2-214781086-C-T. GRCh37 (hg19) VCF-style: chr2-215645810-C-T.
Other names: c.731G>A, p.Ser244Asn (NM_001282543.2); c.158+28326G>A (NM_001282548.2); c.215+15975G>A (NM_001282545.2); c.364+11211G>A (NM_001282549.2); c.788G>A (NM_000465.2); short protein forms S263N, S244N.
Identifiers: ClinVar variation 489677 (VCV000489677.17), dbSNP rs1553622443, ClinGen allele CA350455749.
Genomic context (GRCh38, chr2:214,781,086, plus strand): 5'-GCCAATGGTAAAGAGACTTCAGTTAAACTTCCAAAACATTCAGATTCTGTCAAGGAGCCA[C>T]TTGCTAGTAAGTCTATTTCACCATTTATCTGAGGACTGGAGATAACAGATGGTTGGCTAC-3'
Protein context (NP_000456.2, residues 253-273): QINGEIDLLA[Ser263Asn]GSLTESECFG